The following is an entry in ClinVar:

ClinVar aggregate classification (germline): Conflicting classifications of pathogenicity. Review status: criteria provided, conflicting classifications (1 of 4 stars). 9 submissions from 9 submitters: Uncertain significance (6); Likely benign (2). 1 of the submissions does not count toward it. Last evaluated 2026-05-19.

Conditions:
Ullrich congenital muscular dystrophy 2 (UCMD2). Identifiers: Orphanet 75840, MedGen C4225314, MONDO:0014654, OMIM 616470.
Bethlem myopathy 2 (BTHLM2). Identifiers: Orphanet 536516, Orphanet 610, MedGen C4225313, MONDO:0034022, OMIM 616471.

Allele frequency attached by ClinVar (database versions not stated): gnomAD exomes 0.00012; ExAC 0.00014; gnomAD 0.00014 and 0.00015; 1000 Genomes Project 30x 0.00016; ESP Exome Variant Server 0.00016; TOPMed 0.00018; 1000 Genomes Project 0.00020.
gnomAD v4.1: 444 of 1,614,114 alleles (0.028%); highest among the groups gnomAD compares: Non-Finnish European, 0.035%; 1 homozygote.

Submissions (9):

Women's Health and Genetics/Laboratory Corporation of America, LabCorp
Classification: Likely benign. Last evaluated: 2026-05-19. Review status: criteria provided, single submitter. Criteria: LabCorp Variant Classification Summary - May 2015. Collection method: clinical testing. Allele origin: germline.
Comment: Variant summary: COL12A1 c.5893C>T (p.Arg1965Cys) results in a non-conservative amino acid change in the encoded protein sequence. Algorithms developed to predict the effect of missense changes on protein structure and function all suggest that this variant is likely to be disruptive. The variant allele was found at a frequency of 0.00028 in 1614114 control chromosomes, predominantly at a frequency of 0.00035 within the African or African-American subpopulation in the gnomAD database, including 1 homozygote (gnomAD v4). The observed variant frequency within African or African-American control individuals in the gnomAD database exceeds the estimated maximal expected allele frequency for disease-causing variants in COL12A1. c.5893C>T has been observed in three individuals in a family affected with features of Bethlem myopathy 2 (Hicks_2014). These report(s) do not provide unequivocal conclusions about association of the variant with disease. To our knowledge, no experimental evidence demonstrating an impact on protein function has been reported. The following publications have been ascertained in the context of this evaluation (PMID: 24334769, 37079061). ClinVar contains an entry for this variant (Variation ID: 204297). Based on the evidence outlined above, the variant was classified as likely benign.

Labcorp Genetics (formerly Invitae), Labcorp
Classification: Likely benign for Bethlem myopathy 2; Ullrich congenital muscular dystrophy 2. Last evaluated: 2026-01-26. Review status: criteria provided, single submitter. Criteria: Invitae Variant Classification Sherloc (09022015). Collection method: clinical testing. Allele origin: germline.

CeGaT Center for Human Genetics Tuebingen
Classification: Uncertain significance. Last evaluated: 2025-03-01. Review status: criteria provided, single submitter. Criteria: CeGaT Center For Human Genetics Tuebingen Variant Classification Criteria Version 2. Collection method: clinical testing. Allele origin: germline. Affected: yes. Observed: 1 variant allele.

Mayo Clinic Laboratories, Mayo Clinic
Classification: Uncertain significance. Last evaluated: 2024-05-13. Review status: criteria provided, single submitter. Criteria: ACMG Guidelines, 2015. Collection method: clinical testing. Allele origin: germline. Observed: 2 variant alleles.
Comment: PP3, PP4, PS4_moderate

Fulgent Genetics
Classification: Uncertain significance for Ullrich congenital muscular dystrophy 2; Bethlem myopathy 2. Last evaluated: 2024-05-03. Review status: criteria provided, single submitter. Criteria: ACMG Guidelines, 2015. Collection method: clinical testing. Allele origin: germline.

Revvity Omics, Revvity
Classification: Uncertain significance. Last evaluated: 2024-02-08. Review status: criteria provided, single submitter. Criteria: ACMG Guidelines, 2015. Collection method: clinical testing. Allele origin: germline.

GeneDx
Classification: Uncertain significance. Last evaluated: 2023-11-22. Review status: criteria provided, single submitter. Criteria: GeneDx Variant Classification Process June 2021. Collection method: clinical testing. Allele origin: germline. Affected: yes.
Comment: Functional studies on patient-derived fibroblast cells showed less abundant and disorganized collagen XII with significant intracellular retention, though no in vivo functional studies have been performed to date (PMID: 24334769); In silico analysis supports that this missense variant has a deleterious effect on protein structure/function; This variant is associated with the following publications: (PMID: 28306225, 31273343, 31509352, 32629534, 30409984, 24334769)

Blueprint Genetics
Classification: Uncertain significance. Last evaluated: 2023-02-10. Review status: criteria provided, single submitter. Criteria: ACMG Guidelines, 2015. Collection method: clinical testing. Allele origin: germline.

OMIM
Classification: Pathogenic for BETHLEM MYOPATHY 2. Last evaluated: 2014-05-01. Review status: no assertion criteria provided. Collection method: literature only. Allele origin: germline. Not counted in ClinVar's aggregate classification.

Literature cited by the submitters: PubMed 37079061 (cited by Women's Health and Genetics/Laboratory Corporation of America, LabCorp and Mayo Clinic Laboratories, Mayo Clinic); PubMed 24334769 (cited by 3 submitters); PubMed 28306225 (cited by Mayo Clinic Laboratories, Mayo Clinic); PubMed 31273343 (cited by Mayo Clinic Laboratories, Mayo Clinic); PubMed 31509352 (cited by Mayo Clinic Laboratories, Mayo Clinic); PubMed 32629534 (cited by Mayo Clinic Laboratories, Mayo Clinic); PubMed 37353357 (cited by Mayo Clinic Laboratories, Mayo Clinic); PubMed 38174471 (cited by Mayo Clinic Laboratories, Mayo Clinic).

NM_004370.6(COL12A1):c.5893C>T (p.Arg1965Cys)

Gene: COL12A1 (collagen type XII alpha 1 chain; minus strand). Cytogenetic location: 6q13.
Variant type: single nucleotide variant.
Coding change: c.5893C>T on transcript NM_004370.6 (MANE Select); coding-DNA position 5893, C replaced by T.
Protein change: p.Arg1965Cys; replaces arginine 1965 with cysteine.
Molecular consequence: missense variant.
Genome position (GRCh38, 1-based): chr6:75,131,984, G>A on the plus strand (C>T on the coding strand, the complement: COL12A1 is on the minus strand). VCF-style: chr6-75131984-G-A. GRCh37 (hg19) VCF-style: chr6-75841700-G-A.
Other names: c.2401C>T, p.Arg801Cys (NM_080645.3); short protein forms R1965C, R801C.
Identifiers: ClinVar variation 204297 (VCV000204297.29), dbSNP rs200487396, ClinGen allele CA203991.